The following is an entry in ClinVar:

NM_006516.4(SLC2A1):c.950A>C (p.Asn317Thr)

Gene: SLC2A1 (solute carrier family 2 member 1; minus strand). Cytogenetic location: 1p34.2.
Variant type: single nucleotide variant.
Coding change: c.950A>C on transcript NM_006516.4 (MANE Select); coding-DNA position 950, A replaced by C.
Protein change: p.Asn317Thr; replaces asparagine 317 with threonine.
Molecular consequence: missense variant.
Genome position (GRCh38, 1-based): chr1:42,929,232, T>G on the plus strand (A>C on the coding strand, the complement: SLC2A1 is on the minus strand). VCF-style: chr1-42929232-T-G. GRCh37 (hg19) VCF-style: chr1-43394903-T-G.
Other names: short protein forms N317T.
Identifiers: ClinVar variation 2202742 (VCV002202742.4), dbSNP rs2524989927, ClinGen allele CA339956442.

ClinVar aggregate classification (germline): Likely pathogenic (1 of 4 stars; one submission).

Conditions:
GLUT1 deficiency syndrome 1, autosomal recessive. Identifiers: MedGen C3149117.

Submission:

Labcorp Genetics (formerly Invitae), Labcorp
Classification: Likely pathogenic for GLUT1 deficiency syndrome 1, autosomal recessive. Last evaluated: 2024-10-16. Review status: criteria provided, single submitter. Criteria: Invitae Variant Classification Sherloc (09022015). Collection method: clinical testing. Allele origin: germline.
Comment: This sequence change replaces asparagine, which is neutral and polar, with threonine, which is neutral and polar, at codon 317 of the SLC2A1 protein (p.Asn317Thr). This variant is not present in population databases (gnomAD no frequency). This missense change has been observed in individual(s) with autosomal dominant SLC2A1-related conditions (PMID: 18577546, 21204808). It has also been observed to segregate with disease in related individuals. ClinVar contains an entry for this variant (Variation ID: 2202742). Invitae Evidence Modeling of protein sequence and biophysical properties (such as structural, functional, and spatial information, amino acid conservation, physicochemical variation, residue mobility, and thermodynamic stability) indicates that this missense variant is expected to disrupt SLC2A1 protein function with a positive predictive value of 95%. Experimental studies have shown that this missense change affects SLC2A1 function (PMID: 18577546). In summary, the currently available evidence indicates that the variant is pathogenic, but additional data are needed to prove that conclusively. Therefore, this variant has been classified as Likely Pathogenic.

Literature cited by the submitters: PubMed 18577546; PubMed 21204808.